The following is an entry in ClinVar:

ClinVar aggregate classification (germline): Uncertain significance. Review status: criteria provided, multiple submitters, no conflicts (2 of 4 stars). 2 submissions from 2 submitters: Uncertain significance (2). Last evaluated 2023-01-24.

Conditions:
Inborn genetic diseases. Identifiers: MedGen C0950123, MeSH D030342.
Mucopolysaccharidosis type 6 (MPS6). Also called: MPS 6; Maroteaux Lamy syndrome; MPS VI; ARSB DEFICIENCY; ARYLSULFATASE B DEFICIENCY; N-ACETYLGALACTOSAMINE-4-SULFATASE DEFICIENCY. Identifiers: Orphanet 583, MedGen C0026709, MONDO:0009661, OMIM 253200.

Allele frequency attached by ClinVar (database versions not stated): ExAC 0.00001; gnomAD 0.00001; gnomAD exomes 0.00001; TOPMed 0.00001; ESP Exome Variant Server 0.00008.
gnomAD v4.1: 24 of 1,613,692 alleles (0.0015%); highest among the groups gnomAD compares: Middle Eastern, 0.016%; no homozygotes.

Submissions (2):

Ambry Genetics
Classification: Uncertain significance for Inborn genetic diseases. Last evaluated: 2023-01-24. Review status: criteria provided, single submitter. Criteria: Ambry Variant Classification Scheme 2023. Collection method: clinical testing. Allele origin: germline.

Labcorp Genetics (formerly Invitae), Labcorp
Classification: Uncertain significance for Mucopolysaccharidosis type 6. Last evaluated: 2021-09-17. Review status: criteria provided, single submitter. Criteria: Invitae Variant Classification Sherloc (09022015). Collection method: clinical testing. Allele origin: germline.
Comment: This sequence change replaces arginine with histidine at codon 180 of the ARSB protein (p.Arg180His). The arginine residue is moderately conserved and there is a small physicochemical difference between arginine and histidine. This variant is present in population databases (rs139788949, ExAC 0.006%). This variant has not been reported in the literature in individuals with ARSB-related conditions. Advanced modeling of protein sequence and biophysical properties (such as structural, functional, and spatial information, amino acid conservation, physicochemical variation, residue mobility, and thermodynamic stability) performed at Invitae indicates that this missense variant is not expected to disrupt ARSB protein function. In summary, the available evidence is currently insufficient to determine the role of this variant in disease. Therefore, it has been classified as a Variant of Uncertain Significance.

NM_000046.5(ARSB):c.539G>A (p.Arg180His)

Gene: ARSB (arylsulfatase B; minus strand). Cytogenetic location: 5q14.1.
Variant type: single nucleotide variant.
Coding change: c.539G>A on transcript NM_000046.5 (MANE Select); coding-DNA position 539, G replaced by A.
Protein change: p.Arg180His; replaces arginine 180 with histidine.
Molecular consequence: missense variant.
Genome position (GRCh38, 1-based): chr5:78,964,567, C>T on the plus strand (G>A on the coding strand, the complement: ARSB is on the minus strand). VCF-style: chr5-78964567-C-T. GRCh37 (hg19) VCF-style: chr5-78260390-C-T.
Other names: c.539G>A (NM_000046.3); c.539G>A, p.Arg180His (NM_198709.3); short protein forms R180H.
Identifiers: ClinVar variation 1392098 (VCV001392098.6), dbSNP rs139788949, ClinGen allele CA3318235.